The following is an entry in ClinVar:

NM_002661.5(PLCG2):c.1381del (p.Arg461fs)

Gene: PLCG2 (phospholipase C gamma 2; plus strand). Cytogenetic location: 16q23.3.
Variant type: Deletion.
Coding change: c.1381del on transcript NM_002661.5 (MANE Select); coding-DNA position 1381, one base deleted (C; older notation c.1381delC).
Protein change: p.Arg461fs; shifts the reading frame from arginine 461.
Molecular consequence: frameshift variant.
Genome position (GRCh38, 1-based): chr16:81,905,421, C deleted; the last of 5 consecutive C bases (chr16:81,905,417-81,905,421); deleting any one gives the same sequence. VCF-style (leftmost placement, unchanged base first): chr16-81905416-GC-G. GRCh37 (hg19) VCF-style: chr16-81939021-GC-G.
Other names: short protein forms R461fs.
Identifiers: ClinVar variation 2108514 (VCV002108514.4), dbSNP rs2507657639, ClinGen allele CA2580092160.

ClinVar aggregate classification (germline): Uncertain significance (1 of 4 stars; one submission).

Conditions:
Familial cold autoinflammatory syndrome 3 (FCAS3). Also called: ANTIBODY DEFICIENCY AND IMMUNE DYSREGULATION, PLCG2-ASSOCIATED; FAMILIAL ATYPICAL COLD URTICARIA. Identifiers: Orphanet 300359, MedGen C3280914, MONDO:0013766, OMIM 614468.

Submission:

Labcorp Genetics (formerly Invitae), Labcorp
Classification: Uncertain significance for Familial cold autoinflammatory syndrome 3. Last evaluated: 2022-03-10. Review status: criteria provided, single submitter. Criteria: Invitae Variant Classification Sherloc (09022015). Collection method: clinical testing. Allele origin: germline.
Comment: In summary, the available evidence is currently insufficient to determine the role of this variant in disease. Therefore, it has been classified as a Variant of Uncertain Significance. This variant has not been reported in the literature in individuals affected with PLCG2-related conditions. This variant is not present in population databases (gnomAD no frequency). This sequence change creates a premature translational stop signal (p.Arg461Glufs*137) in the PLCG2 gene. It is expected to result in an absent or disrupted protein product. However, the current clinical and genetic evidence is not sufficient to establish whether loss-of-function variants in PLCG2 cause disease.